The following is an entry in ClinVar:

NM_001001344.3(ATP2B3):c.1399G>A (p.Ala467Thr)

Gene: ATP2B3 (ATPase plasma membrane Ca2+ transporting 3; plus strand). Cytogenetic location: Xq28.
Variant type: single nucleotide variant.
Coding change: c.1399G>A on transcript NM_001001344.3 (MANE Select); coding-DNA position 1399, G replaced by A.
Protein change: p.Ala467Thr; replaces alanine 467 with threonine.
Molecular consequence: missense variant.
Genome position (GRCh38, 1-based): chrX:153,549,557, G>A. VCF-style: chrX-153549557-G-A. GRCh37 (hg19) VCF-style: chrX-152815015-G-A.
Other names: c.1399G>A, p.Ala467Thr (NM_001388360.1, NM_001388361.1, NM_001388362.1 and 1 more transcripts); c.1357G>A, p.Ala453Thr (NM_001410708.1); short protein forms A453T, A467T.
Identifiers: ClinVar variation 4533355 (VCV004533355.1).
Genomic context (GRCh38, chrX:153,549,557, plus strand): 5'-AAAATGATGAAAGACAACAACCTGGTGCGCCACCTGGATGCCTGCGAGACCATGGGCAAC[G>A]CCACAGCCATCTGCTCCGACAAGACGGGCACGCTCACCACCAACCGTATGACCGTGGTCC-3'
Protein context (NP_001001344.1, residues 457-477): HLDACETMGN[Ala467Thr]TAICSDKTGT

ClinVar aggregate classification (germline): Uncertain significance (1 of 4 stars; one submission).

Conditions:
X-linked progressive cerebellar ataxia. Also called: OLIVOPONTOCEREBELLAR ATROPHY, X-LINKED; OPCA, X-LINKED; Spinocerebellar ataxia, X-linked 1. Identifiers: Orphanet 1175, MedGen C0796205, MONDO:0010547, OMIM 302500.

gnomAD v4.1: 142 of 1,210,967 alleles (0.012%); highest among the groups gnomAD compares: Non-Finnish European, 0.014%; no homozygotes.

Submission:

Daryl Scott Lab, Baylor College of Medicine
Classification: Uncertain significance for X-linked progressive cerebellar ataxia. Last evaluated: 2025-08-25. Review status: criteria provided, single submitter. Criteria: ACMG Guidelines, 2015. Collection method: clinical testing. Allele origin: maternal. Affected: yes. Observed: 1 heterozygote.
Comment: BS2, PP3